The following is an entry in ClinVar:

ClinVar aggregate classification (germline): Uncertain significance (1 of 4 stars; one submission).

Conditions:
Baller-Gerold syndrome (BGS). Also called: CRANIOSYNOSTOSIS WITH RADIAL DEFECTS. Identifiers: Orphanet 1225, MedGen C0265308, MONDO:0009039, OMIM 218600.

Submission:

Labcorp Genetics (formerly Invitae), Labcorp
Classification: Uncertain significance for Baller-Gerold syndrome. Last evaluated: 2024-08-21. Review status: criteria provided, single submitter. Criteria: Invitae Variant Classification Sherloc (09022015). Collection method: clinical testing. Allele origin: germline.
Comment: This sequence change falls in intron 11 of the RECQL4 gene. It does not directly change the encoded amino acid sequence of the RECQL4 protein. This variant is not present in population databases (gnomAD no frequency). This variant has not been reported in the literature in individuals affected with RECQL4-related conditions. Algorithms developed to predict the effect of sequence changes on RNA splicing suggest that this variant may disrupt the consensus splice site. In summary, the available evidence is currently insufficient to determine the role of this variant in disease. Therefore, it has been classified as a Variant of Uncertain Significance.

NM_004260.4(RECQL4):c.1879-14C>A

Gene: RECQL4 (RecQ like helicase 4; minus strand). Cytogenetic location: 8q24.3.
Variant type: single nucleotide variant.
Coding change: c.1879-14C>A on transcript NM_004260.4 (MANE Select); 14 bases into the intron before coding-DNA position 1879, C replaced by A.
Molecular consequence: intron variant.
Genome position (GRCh38, 1-based): chr8:144,514,121, G>T on the plus strand (C>A on the coding strand, the complement: RECQL4 is on the minus strand). VCF-style: chr8-144514121-G-T. GRCh37 (hg19) VCF-style: chr8-145739505-G-T.
Other names: c.1750-14C>A (NM_001413025.1); c.1528-14C>A (NM_001413029.1); c.742-14C>A (NM_001413032.1, NM_001413027.1, NM_001413030.1 and 1 more transcripts); c.808-14C>A (NM_001413035.1, NM_001413040.1, NM_001413021.1 and 6 more transcripts); c.1783-14C>A (NM_001413017.1, NM_001413020.1); c.1849-14C>A (NM_001413039.1); c.1747-14C>A (NM_001413033.1); c.1879-14C>A (NM_001413018.1, NM_001413036.1, NM_001413019.1); and 4 more.
Identifiers: ClinVar variation 3663179 (VCV003663179.2).